The following is an entry in ClinVar:

NM_017654.4(SAMD9):c.3059C>T (p.Thr1020Ile)

Gene: SAMD9 (sterile alpha motif domain containing 9; minus strand). Cytogenetic location: 7q21.2.
Variant type: single nucleotide variant.
Coding change: c.3059C>T on transcript NM_017654.4 (MANE Select); coding-DNA position 3059, C replaced by T.
Protein change: p.Thr1020Ile; replaces threonine 1020 with isoleucine.
Molecular consequence: missense variant.
Genome position (GRCh38, 1-based): chr7:93,103,039, G>A on the plus strand (C>T on the coding strand, the complement: SAMD9 is on the minus strand). VCF-style: chr7-93103039-G-A. GRCh37 (hg19) VCF-style: chr7-92732352-G-A.
Other names: c.3059C>T, p.Thr1020Ile (NM_001193307.2); short protein forms T1020I.
Identifiers: ClinVar variation 1301743 (VCV001301743.12), dbSNP rs1039989488, ClinGen allele CA161990955.
Genomic context (GRCh38, chr7:93,103,039, plus strand): 5'-CGGTGTCTTGTGAGTAGGAGTGTGTGCATATCTTGCAAAAATTTACTTTTTCCCATACCA[G>A]TATCGAAGAACAAATTCTCAGTTAGCATATCCAACATAATTTGACTTTTATTCAGGTGAT-3'
Protein context (NP_060124.2, residues 1010-1030): DMLTENLFFD[Thr1020Ile]GMGKSKFLQD

ClinVar aggregate classification (germline): Uncertain significance. Review status: criteria provided, multiple submitters, no conflicts (2 of 4 stars). 5 submissions from 5 submitters: Uncertain significance (5). Last evaluated 2025-12-19.

Conditions:
Inborn genetic diseases. Identifiers: MedGen C0950123, MeSH D030342.

Allele frequency attached by ClinVar (database versions not stated): gnomAD exomes below 0.00001; TOPMed 0.00001.
gnomAD v4.1: 2 of 1,613,792 alleles (0.00012%); highest among the groups gnomAD compares: Middle Eastern, 0.016%; no homozygotes.

Submissions (5):

GeneDx
Classification: Uncertain significance. Last evaluated: 2025-12-19. Review status: criteria provided, single submitter. Criteria: GeneDx Variant Classification Process June 2021. Collection method: clinical testing. Allele origin: germline. Affected: yes.
Comment: Not observed at significant frequency in large population cohorts (gnomAD); In silico analysis suggests that this missense variant does not alter protein structure/function; Has not been previously published as pathogenic or benign to our knowledge; This variant is associated with the following publications: (PMID: 28545555)

Ambry Genetics
Classification: Uncertain significance for Inborn genetic diseases. Last evaluated: 2025-11-12. Review status: criteria provided, single submitter. Criteria: Ambry Variant Classification Scheme 2023. Collection method: clinical testing. Allele origin: germline.

Labcorp Genetics (formerly Invitae), Labcorp
Classification: Uncertain significance. Last evaluated: 2025-09-28. Review status: criteria provided, single submitter. Criteria: Invitae Variant Classification Sherloc (09022015). Collection method: clinical testing. Allele origin: germline.
Comment: This sequence change replaces threonine, which is neutral and polar, with isoleucine, which is neutral and non-polar, at codon 1020 of the SAMD9 protein (p.Thr1020Ile). This variant is present in population databases (no rsID available, gnomAD no frequency). This variant has not been reported in the literature in individuals affected with SAMD9-related conditions. ClinVar contains an entry for this variant (Variation ID: 1301743). Invitae Evidence Modeling of protein sequence and biophysical properties (such as structural, functional, and spatial information, amino acid conservation, physicochemical variation, residue mobility, and thermodynamic stability) indicates that this missense variant is not expected to disrupt SAMD9 protein function with a negative predictive value of 95%. In summary, the available evidence is currently insufficient to determine the role of this variant in disease. Therefore, it has been classified as a Variant of Uncertain Significance.

Blueprint Genetics
Classification: Uncertain significance. Last evaluated: 2024-09-04. Review status: criteria provided, single submitter. Criteria: ACMG Guidelines, 2015. Collection method: clinical testing. Allele origin: germline.

Dubai Health Genomic Medicine Center, Dubai Health
Classification: Uncertain significance. Last evaluated: 2020-05-14. Review status: criteria provided, single submitter. Criteria: ACMG Guidelines, 2015. Collection method: clinical testing. Allele origin: germline. Affected: yes.